The following is an entry in ClinVar:

ClinVar aggregate classification (germline): Uncertain significance (1 of 4 stars; one submission).

Submission:

Labcorp Genetics (formerly Invitae), Labcorp
Classification: Uncertain significance. Last evaluated: 2022-09-13. Review status: criteria provided, single submitter. Criteria: Invitae Variant Classification Sherloc (09022015). Collection method: clinical testing. Allele origin: germline.
Comment: This variant has not been reported in the literature in individuals affected with ZNF143-related conditions. Algorithms developed to predict the effect of missense changes on protein structure and function (SIFT, PolyPhen-2, Align-GVGD) all suggest that this variant is likely to be disruptive. In summary, the available evidence is currently insufficient to determine the role of this variant in disease. Therefore, it has been classified as a Variant of Uncertain Significance. This variant is not present in population databases (gnomAD no frequency). This sequence change replaces cysteine, which is neutral and slightly polar, with arginine, which is basic and polar, at codon 359 of the ZNF143 protein (p.Cys359Arg).

NM_003442.6(ZNF143):c.1075T>C (p.Cys359Arg)

Gene: ZNF143 (zinc finger protein 143; plus strand). Cytogenetic location: 11p15.4.
Variant type: single nucleotide variant.
Coding change: c.1075T>C on transcript NM_003442.6 (MANE Select); coding-DNA position 1075, T replaced by C.
Protein change: p.Cys359Arg; replaces cysteine 359 with arginine.
Molecular consequence: missense variant.
Genome position (GRCh38, 1-based): chr11:9,501,198, T>C. VCF-style: chr11-9501198-T-C. GRCh37 (hg19) VCF-style: chr11-9522745-T-C.
Other names: c.1072T>C, p.Cys358Arg (NM_001282656.2); c.982T>C, p.Cys328Arg (NM_001282657.2); short protein forms C358R, C328R, C359R.
Identifiers: ClinVar variation 1905198 (VCV001905198.5), dbSNP rs1565051863, ClinGen allele CA379626902.